The following is an entry in ClinVar:

ClinVar aggregate classification (germline): Uncertain significance (1 of 4 stars; one submission).

Conditions:
Hereditary hemorrhagic telangiectasia (HHT). Also called: ORW DISEASE; Osler Weber Rendu syndrome; OSLER-RENDU-WEBER DISEASE; Osler hemorrhagic telangiectasia syndrome. Identifiers: Orphanet 774, MedGen C0039445, MONDO:0019180. Disease mechanism: loss of function.

gnomAD v4.1: 2 of 1,613,990 alleles (0.00012%); highest among the groups gnomAD compares: Non-Finnish European, 0.00017%; no homozygotes.

Submission:

Labcorp Genetics (formerly Invitae), Labcorp
Classification: Uncertain significance for Hereditary hemorrhagic telangiectasia. Last evaluated: 2025-10-01. Review status: criteria provided, single submitter. Criteria: Invitae Variant Classification Sherloc (09022015). Collection method: clinical testing. Allele origin: germline.
Comment: This sequence change replaces proline, which is neutral and non-polar, with serine, which is neutral and polar, at codon 165 of the ENG protein (p.Pro165Ser). This variant is not present in population databases (gnomAD no frequency). This missense change has been observed in individual(s) with hereditary hemorrhagic telangiectasia (PMID: 21158752). Invitae Evidence Modeling of protein sequence and biophysical properties (such as structural, functional, and spatial information, amino acid conservation, physicochemical variation, residue mobility, and thermodynamic stability) has been performed for this missense variant. However, the output from this modeling did not meet the statistical confidence thresholds required to predict the impact of this variant on ENG protein function. This variant disrupts the p.Pro165 amino acid residue in ENG. Other variant(s) that disrupt this residue have been determined to be pathogenic (PMID: 12673790, 22022569). This suggests that this residue is clinically significant, and that variants that disrupt this residue are likely to be disease-causing. In summary, the available evidence is currently insufficient to determine the role of this variant in disease. Therefore, it has been classified as a Variant of Uncertain Significance.

Literature cited by the submitters: PubMed 21158752; PubMed 12673790; PubMed 22022569.

NM_001114753.3(ENG):c.493C>T (p.Pro165Ser)

Gene: ENG (endoglin; minus strand). Cytogenetic location: 9q34.11.
Variant type: single nucleotide variant.
Coding change: c.493C>T on transcript NM_001114753.3 (MANE Select); coding-DNA position 493, C replaced by T.
Protein change: p.Pro165Ser; replaces proline 165 with serine.
Molecular consequence: missense variant. On other transcripts: 5 prime UTR variant (1).
Genome position (GRCh38, 1-based): chr9:127,826,540, G>A on the plus strand (C>T on the coding strand, the complement: ENG is on the minus strand). VCF-style: chr9-127826540-G-A. GRCh37 (hg19) VCF-style: chr9-130588819-G-A.
Other names: c.493C>T, p.Pro165Ser (NM_000118.4, NM_001406715.1); c.-54C>T (NM_001278138.2); short protein forms P165S.
Identifiers: ClinVar variation 4802546 (VCV004802546.1).
Genomic context (GRCh38, chr9:127,826,540, plus strand): 5'-GAGCCCAGAGAGGTTGCTGGGGAAACTGACCTTGGCCCAGTCGGAGGAGGATGCTCTGGG[G>A]GTCATTCAGCTCAGCAGCAGAGGTGATGGGGCCCCTCTCAGCTGCCCACTCAAGGATCTG-3'
Protein context (NP_001108225.1, residues 155-175): PITSAAELND[Pro165Ser]QSILLRLGQA